The following is an entry in ClinVar:

NM_152384.3(BBS5):c.824C>T (p.Pro275Leu)

Gene: BBS5 (Bardet-Biedl syndrome 5; plus strand). Cytogenetic location: 2q31.1.
Variant type: single nucleotide variant.
Coding change: c.824C>T on transcript NM_152384.3 (MANE Select); coding-DNA position 824, C replaced by T.
Protein change: p.Pro275Leu; replaces proline 275 with leucine.
Molecular consequence: missense variant.
Genome position (GRCh38, 1-based): chr2:169,503,102, C>T. VCF-style: chr2-169503102-C-T. GRCh37 (hg19) VCF-style: chr2-170359612-C-T.
Other names: c.824C>T (NM_152384.2); short protein forms P275L.
Identifiers: ClinVar variation 1368925 (VCV001368925.8), dbSNP rs376275481, ClinGen allele CA1956340.

ClinVar aggregate classification (germline): Uncertain significance. Review status: criteria provided, multiple submitters, no conflicts (2 of 4 stars). 4 submissions from 4 submitters: Uncertain significance (3). 1 of the submissions does not count toward it. Last evaluated 2025-05-18.

Conditions:
Bardet-Biedl syndrome 5 (BBS5). Identifiers: Orphanet 110, MedGen C3892039, MONDO:0014434, OMIM 615983.
Bardet-Biedl syndrome (BBS). Identifiers: Orphanet 110, MedGen C0752166, MONDO:0015229.
Inborn genetic diseases. Identifiers: MedGen C0950123, MeSH D030342.
BBS5-related disorder. Also called: BBS5-related condition.

Allele frequency attached by ClinVar (database versions not stated): gnomAD exomes 0.00001 and 0.00002; ExAC 0.00003; TOPMed 0.00006; gnomAD 0.00009; ESP Exome Variant Server 0.00015.
gnomAD v4.1: 25 of 1,612,918 alleles (0.0015%); highest among the groups gnomAD compares: African/African-American, 0.027%; no homozygotes.

Submissions (4):

Ambry Genetics
Classification: Uncertain significance for Inborn genetic diseases. Last evaluated: 2025-05-18. Review status: criteria provided, single submitter. Criteria: Ambry Variant Classification Scheme 2023. Collection method: clinical testing. Allele origin: germline.

Labcorp Genetics (formerly Invitae), Labcorp
Classification: Uncertain significance for Bardet-Biedl syndrome. Last evaluated: 2022-06-13. Review status: criteria provided, single submitter. Criteria: Invitae Variant Classification Sherloc (09022015). Collection method: clinical testing. Allele origin: germline.
Comment: This sequence change replaces proline, which is neutral and non-polar, with leucine, which is neutral and non-polar, at codon 275 of the BBS5 protein (p.Pro275Leu). This variant is present in population databases (rs376275481, gnomAD 0.02%). This variant has not been reported in the literature in individuals affected with BBS5-related conditions. Algorithms developed to predict the effect of missense changes on protein structure and function (SIFT, PolyPhen-2, Align-GVGD) all suggest that this variant is likely to be tolerated. In summary, the available evidence is currently insufficient to determine the role of this variant in disease. Therefore, it has been classified as a Variant of Uncertain Significance.

Fulgent Genetics
Classification: Uncertain significance for Bardet-Biedl syndrome 5. Last evaluated: 2022-02-03. Review status: criteria provided, single submitter. Criteria: ACMG Guidelines, 2015. Collection method: clinical testing. Allele origin: unknown.

PreventionGenetics, part of Exact Sciences
Classification: Uncertain significance for BBS5-related condition. Last evaluated: 2024-03-13. Review status: no assertion criteria provided. Collection method: clinical testing. Allele origin: germline. Not counted in ClinVar's aggregate classification.
Comment: The BBS5 c.824C>T variant is predicted to result in the amino acid substitution p.Pro275Leu. To our knowledge, this variant has not been reported in the literature. This variant is reported in 0.024% of alleles in individuals of African descent in gnomAD. At this time, the clinical significance of this variant is uncertain due to the absence of conclusive functional and genetic evidence.